The following is an entry in ClinVar:

ClinVar aggregate classification (germline): Uncertain significance (1 of 4 stars; one submission).

Submission:

Ambry Genetics
Classification: Uncertain significance. Last evaluated: 2022-03-03. Review status: criteria provided, single submitter. Criteria: Ambry Variant Classification Scheme 2023. Collection method: clinical testing. Allele origin: germline.
Comment: The p.G1246R variant (also known as c.3736G>C), located in coding exon 31 of the PRKDC gene, results from a G to C substitution at nucleotide position 3736. The glycine at codon 1246 is replaced by arginine, an amino acid with dissimilar properties. This amino acid position is conserved. In addition, this alteration is predicted to be tolerated by in silico analysis. Since supporting evidence is limited at this time, the clinical significance of this alteration remains unclear.

NM_006904.7(PRKDC):c.3736G>C (p.Gly1246Arg)

Gene: PRKDC (protein kinase, DNA-activated, catalytic subunit; minus strand). Cytogenetic location: 8q11.21.
Variant type: single nucleotide variant.
Coding change: c.3736G>C on transcript NM_006904.7 (MANE Select); coding-DNA position 3736, G replaced by C.
Protein change: p.Gly1246Arg; replaces glycine 1246 with arginine.
Molecular consequence: missense variant.
Genome position (GRCh38, 1-based): chr8:47,893,250, C>G on the plus strand (G>C on the coding strand, the complement: PRKDC is on the minus strand). VCF-style: chr8-47893250-C-G. GRCh37 (hg19) VCF-style: chr8-48805811-C-G.
Other names: c.3736G>C, p.Gly1246Arg (NM_001081640.2); short protein forms G1246R.
Identifiers: ClinVar variation 1734425 (VCV001734425.2), dbSNP rs2551874326, ClinGen allele CA371150485.